The following is an entry in ClinVar:

NM_005159.5(ACTC1):c.784A>T (p.Thr262Ser)

Genes: GJD2-DT (GJD2 divergent transcript; plus strand), ACTC1 (actin alpha cardiac muscle 1; minus strand). Cytogenetic location: 15q14.
Variant type: single nucleotide variant.
Coding change: c.784A>T on transcript NM_005159.5 (MANE Select); coding-DNA position 784, A replaced by T.
Protein change: p.Thr262Ser; replaces threonine 262 with serine.
Molecular consequence: missense variant.
Genome position (GRCh38, 1-based): chr15:34,792,114, T>A on the plus strand (A>T on the coding strand, the complement: ACTC1 is on the minus strand). VCF-style: chr15-34792114-T-A. GRCh37 (hg19) VCF-style: chr15-35084315-T-A.
Other names: c.784A>T (LRG_388t1); short protein forms T262S.
Identifiers: ClinVar variation 410262 (VCV000410262.8), dbSNP rs1060502821, ClinGen allele CA16614344.

ClinVar aggregate classification (germline): Uncertain significance (1 of 4 stars; one submission).

Conditions:
Atrial septal defect 5 (ASD5). Identifiers: Orphanet 1478, MedGen C2748552, MONDO:0013011, OMIM 612794.
Dilated cardiomyopathy 1R (CMD1R). Identifiers: Orphanet 154, Orphanet 54260, MedGen C3150681, MONDO:0013261, OMIM 613424.
Hypertrophic cardiomyopathy 11. Also called: ACTC1-Related Familial Hypertrophic Cardiomyopathy. Identifiers: MedGen C2677506, MONDO:0012799, OMIM 612098.

Submission:

Labcorp Genetics (formerly Invitae), Labcorp
Classification: Uncertain significance for Dilated cardiomyopathy 1R; Hypertrophic cardiomyopathy 11; Atrial septal defect 5. Last evaluated: 2016-12-21. Review status: criteria provided, single submitter. Criteria: Invitae Variant Classification Sherloc (09022015). Collection method: clinical testing. Allele origin: germline.
Comment: This sequence change replaces threonine with serine at codon 262 of the ACTC1 protein (p.Thr262Ser). The threonine residue is highly conserved and there is a small physicochemical difference between threonine and serine. This variant is not present in population databases (ExAC no frequency) and has not been reported in the literature in individuals with a ACTC1-related disease. Algorithms developed to predict the effect of missense changes on protein structure and function (SIFT, PolyPhen-2, Align-GVGD) all suggest that this variant is likely to be tolerated, but these predictions have not been confirmed by published functional studies. In summary, this variant is a novel missense change that is not predicted to affect protein function. There is no indication that it causes disease, but the available evidence is currently insufficient to prove that conclusively. Therefore, it has been classified as a Variant of Uncertain Significance.